The following is an entry in ClinVar:

ClinVar aggregate classification (germline): Benign (1 of 4 stars; one submission).

Allele frequency attached by ClinVar (database versions not stated): 1000 Genomes Project 0.00499; 1000 Genomes Project 30x 0.00515; gnomAD 0.00530; TOPMed 0.00542.
gnomAD v4.1: 816 of 151,718 alleles (0.54%); highest among the groups gnomAD compares: Admixed American, 0.9%; 6 homozygotes.

Submission:

CeGaT Center for Human Genetics Tuebingen
Classification: Benign. Last evaluated: 2026-09-01. Review status: criteria provided, single submitter. Criteria: CeGaT Center For Human Genetics Tuebingen Variant Classification Criteria Version 2. Collection method: clinical testing. Allele origin: germline. Affected: yes. Observed: 31 variant alleles.
Comment: IGHMBP2: BS1, BS2

NM_002180.3(IGHMBP2):c.712-588C>T

Gene: IGHMBP2 (immunoglobulin mu DNA binding protein 2; plus strand). Cytogenetic location: 11q13.3.
Variant type: single nucleotide variant.
Coding change: c.712-588C>T on transcript NM_002180.3 (MANE Select); 588 bases into the intron before coding-DNA position 712, C replaced by T.
Molecular consequence: intron variant.
Genome position (GRCh38, 1-based): chr11:68,914,235, C>T. VCF-style: chr11-68914235-C-T. GRCh37 (hg19) VCF-style: chr11-68681703-C-T.
Identifiers: ClinVar variation 2498525 (VCV002498525.28), dbSNP rs79683857, ClinGen allele CA13385891.